The following is an entry in ClinVar:

NM_001103.4(ACTN2):c.2656T>C (p.Ser886Pro)

Gene: ACTN2 (actinin alpha 2; plus strand). Cytogenetic location: 1q43.
Variant type: single nucleotide variant.
Coding change: c.2656T>C on transcript NM_001103.4 (MANE Select); coding-DNA position 2656, T replaced by C.
Protein change: p.Ser886Pro; replaces serine 886 with proline.
Molecular consequence: missense variant.
Genome position (GRCh38, 1-based): chr1:236,762,590, T>C. VCF-style: chr1-236762590-T-C. GRCh37 (hg19) VCF-style: chr1-236925890-T-C.
Other names: c.2656T>C, p.Ser886Pro (NM_001278343.2); c.2032T>C, p.Ser678Pro (NM_001278344.2); c.1906T>C, p.Ser636Pro (NM_001412150.1); short protein forms S678P, S636P, S886P.
Identifiers: ClinVar variation 1794387 (VCV001794387.3), dbSNP rs371271055, ClinGen allele CA1473507.

ClinVar aggregate classification (germline): Uncertain significance. Review status: criteria provided, multiple submitters, no conflicts (2 of 4 stars). 2 submissions from 2 submitters: Uncertain significance (2). Last evaluated 2025-11-27.

Conditions:
Cardiovascular phenotype. Identifiers: MedGen CN230736.
Dilated cardiomyopathy 1AA (CMD1AA). Also called: CARDIOMYOPATHY, DILATED, 1AA, WITH OR WITHOUT LEFT VENTRICULAR NONCOMPACTION; CARDIOMYOPATHY, FAMILIAL HYPERTROPHIC, 23, WITH OR WITHOUT LEFT VENTRICULAR NONCOMPACTION; Cardiomyopathy, dilated, 1AA, with or without LVNC. Identifiers: Orphanet 154, MedGen C2677338, MONDO:0012808, OMIM 612158.
Primary familial hypertrophic cardiomyopathy (HCM). Identifiers: Orphanet 99739, MedGen C0949658, MeSH D024741, MONDO:0024573. Inheritance: Various modes of inheritance.

Allele frequency attached by ClinVar (database versions not stated): ExAC 0.00001; gnomAD 0.00001; TOPMed 0.00001; ESP Exome Variant Server 0.00008.
gnomAD v4.1: 2 of 1,614,052 alleles (0.00012%); highest among the groups gnomAD compares: African/African-American, 0.0027%; no homozygotes.

Submissions (2):

Labcorp Genetics (formerly Invitae), Labcorp
Classification: Uncertain significance for Primary familial hypertrophic cardiomyopathy; Dilated cardiomyopathy 1AA. Last evaluated: 2025-11-27. Review status: criteria provided, single submitter. Criteria: Invitae Variant Classification Sherloc (09022015). Collection method: clinical testing. Allele origin: germline.
Comment: This sequence change replaces serine, which is neutral and polar, with proline, which is neutral and non-polar, at codon 886 of the ACTN2 protein (p.Ser886Pro). This variant is present in population databases (rs371271055, gnomAD 0.007%). This variant has not been reported in the literature in individuals affected with ACTN2-related conditions. ClinVar contains an entry for this variant (Variation ID: 1794387). Invitae Evidence Modeling of protein sequence and biophysical properties (such as structural, functional, and spatial information, amino acid conservation, physicochemical variation, residue mobility, and thermodynamic stability) indicates that this missense variant is not expected to disrupt ACTN2 protein function with a negative predictive value of 80%. In summary, the available evidence is currently insufficient to determine the role of this variant in disease. Therefore, it has been classified as a Variant of Uncertain Significance.

Ambry Genetics
Classification: Uncertain significance for Cardiovascular phenotype. Last evaluated: 2021-09-20. Review status: criteria provided, single submitter. Criteria: Ambry Variant Classification Scheme 2023. Collection method: clinical testing. Allele origin: germline.
Comment: The p.S886P variant (also known as c.2656T>C), located in coding exon 21 of the ACTN2 gene, results from a T to C substitution at nucleotide position 2656. The serine at codon 886 is replaced by proline, an amino acid with similar properties. This amino acid position is conserved. In addition, the in silico prediction for this alteration is inconclusive. Since supporting evidence is limited at this time, the clinical significance of this alteration remains unclear.